The following is an entry in ClinVar:

NM_001923.5(DDB1):c.2578A>G (p.Thr860Ala)

Gene: DDB1 (damage specific DNA binding protein 1; minus strand). Cytogenetic location: 11q12.2.
Variant type: single nucleotide variant.
Coding change: c.2578A>G on transcript NM_001923.5 (MANE Select); coding-DNA position 2578, A replaced by G.
Protein change: p.Thr860Ala; replaces threonine 860 with alanine.
Molecular consequence: missense variant.
Genome position (GRCh38, 1-based): chr11:61,309,066, T>C on the plus strand (A>G on the coding strand, the complement: DDB1 is on the minus strand). VCF-style: chr11-61309066-T-C. GRCh37 (hg19) VCF-style: chr11-61076538-T-C.
Other names: short protein forms T860A.
Identifiers: ClinVar variation 1699476 (VCV001699476.3), dbSNP rs757118401, ClinGen allele CA380660633.
Genomic context (GRCh38, chr11:61,309,066, plus strand): 5'-GCTTCCCGTTAAATTCCACCATAGAGTACACGGCCCCTTTCACTTCCTTTTCAGCCACAG[T>C]CTGTAGTTTTCCTGGGGGTGGAAAAAATATGTTTGAGTCTCTATGAGCCCACACTTTACC-3'
Protein context (NP_001914.3, residues 850-870): VFQYSDGKLQ[Thr860Ala]VAEKEVKGAV

ClinVar aggregate classification (germline): Uncertain significance (1 of 4 stars; one submission).

Conditions:
Syndromic intellectual disability. Also called: Intellectual disability syndrome. Identifiers: Orphanet 183763, MedGen C5680525, MONDO:0000508.

Submission:

Victorian Clinical Genetics Services, Murdoch Childrens Research Institute
Classification: Uncertain significance for Syndromic intellectual disability. Last evaluated: 2022-02-02. Review status: criteria provided, single submitter. Criteria: ACMG Guidelines, 2015. Collection method: clinical testing. Allele origin: germline. Inheritance: Autosomal dominant inheritance. Affected: yes.
Comment: Based on the classification scheme VCGS_Germline_v1.3.4, this variant is classified as VUS-3C. Following criteria are met: 0105 - The mechanism of disease for this gene is not clearly established. (I) 0107 - This gene is associated with autosomal dominant syndromic intellectual disability (PMID: 33743206). (I) 0200 - Variant is predicted to result in a missense amino acid change from threonine to alanine. (I) 0251 - This variant is heterozygous. (I) 0302 - Variant is present in gnomAD (v3) <0.001 for a dominant condition (1 heterozygote, 0 homozygotes). (SP) 0309 - Multiple alternative amino acid changes at the same position have been observed in gnomAD (v2 & v3) (19 heterozygotes, 0 homozygotes). (I) 0503 - Missense variant consistently predicted to be tolerated by multiple in silico tools, with moderate conservation and a minor amino acid change. (SB) 0600 - Variant is located in the annotated CPSF A subunit domain (NCBI). (I) 0705 - No comparable missense variants have previous evidence for pathogenicity. (I) 0807 - This variant has no previous evidence of pathogenicity. (I) 0905 - No published segregation evidence has been identified for this variant. (I) 1007 - No published functional evidence has been identified for this variant. (I) 1208 - Inheritance information for this variant is not currently available in this individual. (I) Legend: (SP) - Supporting pathogenic, (I) - Information, (SB) - Supporting benign

Literature cited by the submitters: PubMed 33743206.